The following is an entry in ClinVar:

NM_001369268.1(ACAN):c.703A>T (p.Ile235Phe)

Gene: ACAN (aggrecan; plus strand). Cytogenetic location: 15q26.1.
Variant type: single nucleotide variant.
Coding change: c.703A>T on transcript NM_001369268.1 (MANE Select); coding-DNA position 703, A replaced by T.
Protein change: p.Ile235Phe; replaces isoleucine 235 with phenylalanine.
Molecular consequence: missense variant.
Genome position (GRCh38, 1-based): chr15:88,841,813, A>T. VCF-style: chr15-88841813-A-T. GRCh37 (hg19) VCF-style: chr15-89385044-A-T.
Other names: c.703A>T, p.Ile235Phe (NM_001135.4, NM_013227.4); c.703A>T (NM_013227.3); short protein forms I235F.
Identifiers: ClinVar variation 1590293 (VCV001590293.10), dbSNP rs759248879, ClinGen allele CA7719325.

ClinVar aggregate classification (germline): Conflicting classifications of pathogenicity. Review status: criteria provided, conflicting classifications (1 of 4 stars). 3 submissions from 3 submitters: Uncertain significance (2); Likely benign (1). Last evaluated 2026-01-20.

Conditions:
Inborn genetic diseases. Identifiers: MedGen C0950123, MeSH D030342.

Allele frequency attached by ClinVar (database versions not stated): gnomAD exomes 0.00013 and 0.00003; 1000 Genomes Project 30x 0.00016; gnomAD 0.00006 and 0.00007; ExAC 0.00010; TOPMed 0.00011.
gnomAD v4.1: 54 of 1,613,376 alleles (0.0033%); highest among the groups gnomAD compares: East Asian, 0.11%; no homozygotes.

Submissions (3):

Labcorp Genetics (formerly Invitae), Labcorp
Classification: Likely benign. Last evaluated: 2026-01-20. Review status: criteria provided, single submitter. Criteria: Invitae Variant Classification Sherloc (09022015). Collection method: clinical testing. Allele origin: germline.

Women's Health and Genetics/Laboratory Corporation of America, LabCorp
Classification: Uncertain significance. Last evaluated: 2024-08-22. Review status: criteria provided, single submitter. Criteria: LabCorp Variant Classification Summary - May 2015. Collection method: clinical testing. Allele origin: germline.
Comment: Variant summary: ACAN c.703A>T (p.Ile235Phe) results in a non-conservative amino acid change in the encoded protein sequence. Three of five in-silico tools predict a damaging effect of the variant on protein function. The variant allele was found at a frequency of 0.00013 in 249314 control chromosomes. This frequency is not significantly higher than estimated for a pathogenic variant in ACAN causing ACAN-Related Disorders, allowing no conclusion about variant significance. c.703A>T has been reported in the literature in a homozygous fetus with short long bone and hand polydactyly (e.g. Fu_2022). This report does not provide unequivocal conclusions about association of the variant with ACAN-Related Disorders. To our knowledge, no experimental evidence demonstrating an impact on protein function has been reported. The following publication has been ascertained in the context of this evaluation (PMID: 36307859). ClinVar contains an entry for this variant (Variation ID: 1590293). Based on the evidence outlined above, the variant was classified as uncertain significance.

Ambry Genetics
Classification: Uncertain significance for Inborn genetic diseases. Last evaluated: 2022-01-26. Review status: criteria provided, single submitter. Criteria: Ambry Variant Classification Scheme 2023. Collection method: clinical testing. Allele origin: germline.

Literature cited by the submitters: PubMed 36307859 (cited by Women's Health and Genetics/Laboratory Corporation of America, LabCorp).